The following is an entry in ClinVar:

ClinVar aggregate classification (germline): Likely pathogenic (1 of 4 stars; one submission).

Conditions:
Mitochondrial complex I deficiency. Also called: NADH:Q(1) OXIDOREDUCTASE DEFICIENCY. Identifiers: Orphanet 2609, MedGen C1838979, MeSH C537475, MONDO:0100133.

Submission:

Natera, Inc.
Classification: Likely pathogenic for Mitochondrial complex I deficiency. Last evaluated: 2024-06-21. Review status: criteria provided, single submitter. Criteria: Natera Variant Classification Schema (03/2026). Collection method: clinical testing. Allele origin: germline.
Comment: The c.294del variant in NDUFS6 is a frameshift variant predicted to shift the reading frame beginning at codon 99 and leads to a stop codon 3 codons downstream. This variant is expected to result in nonsense mediated decay, truncation, or a dysfunctional protein product. This variant is rare in the general population with a frequency below the threshold expected for the associated phenotype(s). Given the available evidence, this variant is classified as Likely Pathogenic.

NM_004553.6(NDUFS6):c.294del (p.Val99fs)

Gene: NDUFS6 (NADH:ubiquinone oxidoreductase subunit S6; plus strand). Cytogenetic location: 5p15.33.
Variant type: Deletion.
Coding change: c.294del on transcript NM_004553.6 (MANE Select); coding-DNA position 294, one base deleted (A; older notation c.294delA).
Protein change: p.Val99fs; shifts the reading frame from valine 99.
Molecular consequence: frameshift variant.
Genome position (GRCh38, 1-based): chr5:1,814,446, A deleted; the last of 4 consecutive A bases (chr5:1,814,443-1,814,446); deleting any one gives the same sequence. VCF-style (leftmost placement, unchanged base first): chr5-1814442-CA-C. GRCh37 (hg19) VCF-style: chr5-1814556-CA-C.
Other names: short protein forms V99fs.
Identifiers: ClinVar variation 4815358 (VCV004815358.1).
Genomic context (GRCh38, chr5:1,814,442, plus strand): 5'-TGAGCGAGGTGGAGACTCGGGTGATAGCGTGCGATGGCGGCGGGGGAGCTCTTGGCCACC[CA>C]AAAGTGTATATAAACTTGGTGCGTAGCTGGCCACCTGTGCACATGTTAGGGCAGCCTGCT-3'